The following is an entry in ClinVar:

ClinVar aggregate classification (germline): Uncertain significance (1 of 4 stars; one submission).

Conditions:
Sterile multifocal osteomyelitis with periostitis and pustulosis. Also called: CHRONIC RECURRENT MULTIFOCAL OSTEOMYELITIS 2, WITH PERIOSTITIS AND PUSTULOSIS. Identifiers: Orphanet 210115, MedGen C2748507, MONDO:0013021, OMIM 612852.

Allele frequency attached by ClinVar (database versions not stated): ExAC 0.00002; gnomAD exomes 0.00001.
gnomAD v4.1: 11 of 1,608,248 alleles (0.00068%); highest among the groups gnomAD compares: South Asian, 0.011%; no homozygotes.

Submission:

Labcorp Genetics (formerly Invitae), Labcorp
Classification: Uncertain significance for Sterile multifocal osteomyelitis with periostitis and pustulosis. Last evaluated: 2022-05-14. Review status: criteria provided, single submitter. Criteria: Invitae Variant Classification Sherloc (09022015). Collection method: clinical testing. Allele origin: germline.
Comment: This sequence change falls in intron 1 of the IL1RN gene. It does not directly change the encoded amino acid sequence of the IL1RN protein. It affects a nucleotide within the consensus splice site. This variant is present in population databases (rs759724947, gnomAD 0.006%). This variant has not been reported in the literature in individuals affected with IL1RN-related conditions. Variants that disrupt the consensus splice site are a relatively common cause of aberrant splicing (PMID: 17576681, 9536098). Algorithms developed to predict the effect of sequence changes on RNA splicing suggest that this variant is not likely to affect RNA splicing. In summary, the available evidence is currently insufficient to determine the role of this variant in disease. Therefore, it has been classified as a Variant of Uncertain Significance.

Literature cited by the submitters: PubMed 17576681; PubMed 9536098.

NM_173841.3(IL1RN):c.10+4A>G

Gene: IL1RN (interleukin 1 receptor antagonist; plus strand). Cytogenetic location: 2q14.1.
Variant type: single nucleotide variant.
Coding change: c.10+4A>G on transcript NM_173841.3; 4 bases into the intron after coding-DNA position 10, A replaced by G.
Molecular consequence: intron variant.
Genome position (GRCh38, 1-based): chr2:113,118,032, A>G. VCF-style: chr2-113118032-A-G. GRCh37 (hg19) VCF-style: chr2-113875609-A-G.
Other names: c.-273+4A>G (NM_001318914.2); c.-210+4A>G (NM_173843.3); c.10+4A>G (NM_000577.5).
Identifiers: ClinVar variation 2098091 (VCV002098091.4), dbSNP rs759724947, ClinGen allele CA1838700.